The following is an entry in ClinVar:

ClinVar aggregate classification (germline): Uncertain significance. Review status: criteria provided, multiple submitters, no conflicts (2 of 4 stars). 2 submissions from 2 submitters: Uncertain significance (2). Last evaluated 2023-07-14.

Conditions:
Neurofibromatosis, type 1 (NF1). Also called: VON RECKLINGHAUSEN DISEASE; NEUROFIBROMATOSIS, TYPE I, SOMATIC; Peripheral type neurofibromatosis; Neurofibromatosis, type I. Identifiers: Orphanet 636, MedGen C0027831, MONDO:0018975, OMIM 162200. Disease mechanism: loss of function.
Juvenile myelomonocytic leukemia (JMML). Also called: LEUKEMIA, JUVENILE MYELOMONOCYTIC, SOMATIC. Identifiers: Orphanet 86834, MedGen C0349639, MONDO:0011908, OMIM 607785, HP:0012209.

Submissions (2):

Baylor Genetics
Classification: Uncertain significance for Juvenile myelomonocytic leukemia. Last evaluated: 2023-07-14. Review status: criteria provided, single submitter. Criteria: ACMG Guidelines, 2015. Collection method: clinical testing. Allele origin: unknown.

Labcorp Genetics (formerly Invitae), Labcorp
Classification: Uncertain significance for Neurofibromatosis, type 1. Last evaluated: 2022-04-17. Review status: criteria provided, single submitter. Criteria: Invitae Variant Classification Sherloc (09022015). Collection method: clinical testing. Allele origin: germline.
Comment: In summary, the available evidence is currently insufficient to determine the role of this variant in disease. Therefore, it has been classified as a Variant of Uncertain Significance. Advanced modeling of protein sequence and biophysical properties (such as structural, functional, and spatial information, amino acid conservation, physicochemical variation, residue mobility, and thermodynamic stability) performed at Invitae indicates that this missense variant is expected to disrupt NF1 protein function. ClinVar contains an entry for this variant (Variation ID: 660755). This variant has not been reported in the literature in individuals affected with NF1-related conditions. This variant is not present in population databases (gnomAD no frequency). This sequence change replaces arginine, which is basic and polar, with glycine, which is neutral and non-polar, at codon 1241 of the NF1 protein (p.Arg1241Gly).

NM_001042492.3(NF1):c.3721C>G (p.Arg1241Gly)

Gene: NF1 (neurofibromin 1; plus strand). Cytogenetic location: 17q11.2.
Variant type: single nucleotide variant.
Coding change: c.3721C>G on transcript NM_001042492.3 (MANE Select); coding-DNA position 3721, C replaced by G.
Protein change: p.Arg1241Gly; replaces arginine 1241 with glycine.
Molecular consequence: missense variant.
Genome position (GRCh38, 1-based): chr17:31,235,623, C>G. VCF-style: chr17-31235623-C-G. GRCh37 (hg19) VCF-style: chr17-29562641-C-G.
Other names: c.3721C>G, p.Arg1241Gly (NM_000267.4); short protein forms R1241G.
Identifiers: ClinVar variation 660755 (VCV000660755.6), dbSNP rs137854562, ClinGen allele CA398992322.